The following is an entry in ClinVar:

NM_000038.6(APC):c.1740_1743+16del

Gene: APC (APC regulator of Wnt signaling pathway; plus strand). Cytogenetic location: 5q22.2.
Variant type: Deletion.
Coding change: c.1740_1743+16del on transcript NM_000038.6 (MANE Select); coding-DNA position 1740 through 16 bases into the intron after coding-DNA position 1743, 20 bases deleted (AAAGGTACCTTTGAAAACAT).
Molecular consequence: splice donor variant.
Genome position (GRCh38, 1-based): chr5:112,828,969-112,828,988, AAAGGTACCTTTGAAAACAT deleted. VCF-style (leftmost placement, unchanged base first): chr5-112828968-AAAAGGTACCTTTGAAAACAT-A. GRCh37 (hg19) VCF-style: chr5-112164665-AAAAGGTACCTTTGAAAACAT-A.
Other names: c.891_894+16del (NM_001407470.1, NM_001354906.2); c.588_591+16del (NM_001407472.1, NM_001407471.1); c.1794_1797+16del (NM_001407447.1, NM_001407448.1, NM_001407449.1 and 1 more transcripts); c.1740_1743+16del (NM_001354895.2, NM_001407450.1, NM_001127510.3); c.1491_1494+16del (NM_001407456.1, NM_001407457.1, NM_001407455.1 and 1 more transcripts); c.1437_1440+16del (NM_001407460.1, NM_001407458.1, NM_001407459.1 and 1 more transcripts); c.1710_1713+16del (NM_001407452.1); c.1353_1356+16del (NM_001407469.1, NM_001407467.1); and 11 more.
Identifiers: ClinVar variation 2757992 (VCV002757992.3), dbSNP rs2533247779, ClinGen allele CA2697546191.
Genomic context (GRCh38, chr5:112,828,968, plus strand): 5'-AAAAGACGTTGCGAGAAGTTGGAAGTGTGAAAGCATTGATGGAATGTGCTTTAGAAGTTA[AAAAGGTACCTTTGAAAACAT>A]TTAGTACTATAATATGAATTTCATGTTTGGCTTTTTTTTGCTGCCTTCTTTTAGCCATGA-3'

ClinVar aggregate classification (germline): Likely pathogenic (1 of 4 stars; one submission).

Conditions:
Familial adenomatous polyposis 1 (FAP1). Also called: POLYPOSIS, ADENOMATOUS INTESTINAL; FAMILIAL ADENOMATOUS POLYPOSIS 1, ATTENUATED. Identifiers: MedGen C2713442, MONDO:0021056, OMIM 175100. Disease mechanism: loss of function.

Submission:

Labcorp Genetics (formerly Invitae), Labcorp
Classification: Likely pathogenic for Familial adenomatous polyposis 1. Last evaluated: 2023-11-24. Review status: criteria provided, single submitter. Criteria: Invitae Variant Classification Sherloc (09022015). Collection method: clinical testing. Allele origin: germline.
Comment: This variant results in the deletion of part of exon 14 (c.1740_1743+16del) of the APC gene. It is expected to disrupt RNA splicing. Variants that disrupt the donor or acceptor splice site typically lead to a loss of protein function (PMID: 16199547), and loss-of-function variants in APC are known to be pathogenic (PMID: 17963004, 20685668). This variant is not present in population databases (gnomAD no frequency). This variant has not been reported in the literature in individuals affected with APC-related conditions. In summary, the currently available evidence indicates that the variant is pathogenic, but additional data are needed to prove that conclusively. Therefore, this variant has been classified as Likely Pathogenic.

Literature cited by the submitters: PubMed 16199547; PubMed 17963004; PubMed 20685668.